The following is an entry in ClinVar:

ClinVar aggregate classification (germline): Pathogenic (1 of 4 stars; one submission).

Conditions:
Familial cancer of breast. Also called: hereditary breast carcinoma; BREAST CANCER, FAMILIAL; Hereditary breast cancer. Identifiers: Orphanet 227535, MedGen C0346153, MONDO:0016419, OMIM 114480. Disease mechanism: loss of function.
Fanconi anemia complementation group J. Also called: BRIP1-Related Fanconi Anemia. Identifiers: Orphanet 84, MedGen C1836860, MONDO:0012187, OMIM 609054.

Submission:

Labcorp Genetics (formerly Invitae), Labcorp
Classification: Pathogenic for Familial cancer of breast; Fanconi anemia complementation group J. Last evaluated: 2023-12-07. Review status: criteria provided, single submitter. Criteria: Invitae Variant Classification Sherloc (09022015). Collection method: clinical testing. Allele origin: germline.
Comment: This sequence change creates a premature translational stop signal (p.Asp400Hisfs*24) in the BRIP1 gene. It is expected to result in an absent or disrupted protein product. Loss-of-function variants in BRIP1 are known to be pathogenic (PMID: 16116423, 17033622, 21964575). This variant is not present in population databases (gnomAD no frequency). This variant has not been reported in the literature in individuals affected with BRIP1-related conditions. ClinVar contains an entry for this variant (Variation ID: 1453580). For these reasons, this variant has been classified as Pathogenic.

Literature cited by the submitters: PubMed 16116423; PubMed 17033622; PubMed 21964575.

NM_032043.3(BRIP1):c.1191_1197dup (p.Asp400fs)

Gene: BRIP1 (BRCA1 interacting DNA helicase 1; minus strand). Cytogenetic location: 17q23.2.
Variant type: Duplication.
Coding change: c.1191_1197dup on transcript NM_032043.3 (MANE Select); coding-DNA positions 1191 to 1197, 7 bases duplicated (CATCGAG; older notation c.1191_1197dupCATCGAG).
Protein change: p.Asp400fs; shifts the reading frame from aspartic acid 400.
Molecular consequence: frameshift variant.
Genome position (GRCh38, 1-based): chr17:61,799,243-61,799,249, CTCGATG duplicated on the plus strand (CATCGAG on the coding strand, the reverse complement: BRIP1 is on the minus strand). VCF-style (leftmost placement, unchanged base first): chr17-61799242-C-CCTCGATG. GRCh37 (hg19) VCF-style: chr17-59876603-C-CCTCGATG.
Other names: short protein forms D400fs.
Identifiers: ClinVar variation 1453580 (VCV001453580.7), dbSNP rs2145307730, ClinGen allele CA2573154321.